The following is an entry in ClinVar:

ClinVar aggregate classification (germline): Uncertain significance (1 of 4 stars; one submission).

Conditions:
Aicardi-Goutieres syndrome 4. Identifiers: Orphanet 51, MedGen C1835912, MONDO:0012472, OMIM 610333.

Allele frequency attached by ClinVar (database versions not stated): ExAC 0.00001; gnomAD 0.00001.
gnomAD v4.1: 2 of 1,614,050 alleles (0.00012%); no homozygotes.

Submission:

Labcorp Genetics (formerly Invitae), Labcorp
Classification: Uncertain significance for Aicardi-Goutieres syndrome 4. Last evaluated: 2024-08-15. Review status: criteria provided, single submitter. Criteria: Invitae Variant Classification Sherloc (09022015). Collection method: clinical testing. Allele origin: germline.
Comment: This sequence change replaces leucine, which is neutral and non-polar, with valine, which is neutral and non-polar, at codon 57 of the RNASEH2A protein (p.Leu57Val). This variant is not present in population databases (gnomAD no frequency). This variant has not been reported in the literature in individuals affected with RNASEH2A-related conditions. ClinVar contains an entry for this variant (Variation ID: 1003050). Invitae Evidence Modeling of protein sequence and biophysical properties (such as structural, functional, and spatial information, amino acid conservation, physicochemical variation, residue mobility, and thermodynamic stability) indicates that this missense variant is not expected to disrupt RNASEH2A protein function with a negative predictive value of 80%. In summary, the available evidence is currently insufficient to determine the role of this variant in disease. Therefore, it has been classified as a Variant of Uncertain Significance.

NM_006397.3(RNASEH2A):c.169C>G (p.Leu57Val)

Gene: RNASEH2A (ribonuclease H2 subunit A; plus strand). Cytogenetic location: 19p13.13.
Variant type: single nucleotide variant.
Coding change: c.169C>G on transcript NM_006397.3 (MANE Select); coding-DNA position 169, C replaced by G.
Protein change: p.Leu57Val; replaces leucine 57 with valine.
Molecular consequence: missense variant.
Genome position (GRCh38, 1-based): chr19:12,807,049, C>G. VCF-style: chr19-12807049-C-G. GRCh37 (hg19) VCF-style: chr19-12917863-C-G.
Other names: short protein forms L57V.
Identifiers: ClinVar variation 1003050 (VCV001003050.7), dbSNP rs775194617, ClinGen allele CA9231760.
Genomic context (GRCh38, chr19:12,807,049, plus strand): 5'-TGACACCCCTTCTCCCCAGGCCCCATGGTCTACGCCATCTGTTATTGTCCCCTGCCTCGC[C>G]TGGCAGATCTGGAGGCGCTGAAAGTGGCAGGTGAGCCCGAGGTGTGCGTCTGGGGAAGGG-3'
Protein context (NP_006388.2, residues 47-67): YAICYCPLPR[Leu57Val]ADLEALKVAD